The following is an entry in ClinVar:

ClinVar aggregate classification (germline): Uncertain significance (1 of 4 stars; one submission).

Allele frequency attached by ClinVar (database versions not stated): TOPMed 0.00001; gnomAD exomes 0.00002; ExAC 0.00004.
gnomAD v4.1: 26 of 1,614,044 alleles (0.0016%); highest among the groups gnomAD compares: South Asian, 0.029%; no homozygotes.

Submission:

GeneDx
Classification: Uncertain significance. Last evaluated: 2022-07-07. Review status: criteria provided, single submitter. Criteria: GeneDx Variant Classification Process June 2021. Collection method: clinical testing. Allele origin: germline. Affected: yes.
Comment: In silico analysis supports that this missense variant has a deleterious effect on protein structure/function; Has not been previously published as pathogenic or benign to our knowledge

NM_030962.4(SBF2):c.4998G>T (p.Arg1666Ser)

Genes: SBF2 (SET binding factor 2; minus strand), SBF2-AS1 (SBF2 antisense RNA 1; plus strand), LOC105369149 (uncharacterized LOC105369149; plus strand). Cytogenetic location: 11p15.4.
Variant type: single nucleotide variant.
Coding change: c.4998G>T on transcript NM_030962.4 (MANE Select); coding-DNA position 4998, G replaced by T.
Protein change: p.Arg1666Ser; replaces arginine 1666 with serine.
Molecular consequence: missense variant.
Genome position (GRCh38, 1-based): chr11:9,787,673, C>A on the plus strand (G>T on the coding strand, the complement: SBF2 is on the minus strand). VCF-style: chr11-9787673-C-A. GRCh37 (hg19) VCF-style: chr11-9809220-C-A.
Other names: c.5094G>T, p.Arg1698Ser (NM_001386339.1); c.4869G>T, p.Arg1623Ser (NM_001386342.1); short protein forms R1623S, R1698S, R1666S.
Identifiers: ClinVar variation 1810525 (VCV001810525.1), dbSNP rs780895916, ClinGen allele CA5880846.